The following is an entry in ClinVar:

ClinVar aggregate classification (germline): Conflicting classifications of pathogenicity. Review status: criteria provided, conflicting classifications (1 of 4 stars). 4 submissions from 4 submitters: Uncertain significance (2); Likely benign (1). 1 of the submissions does not count toward it. Last evaluated 2024-11-10.

Conditions:
Familial dysautonomia. Also called: HSAN III; FD. Identifiers: Orphanet 1764, MedGen C0013364, MONDO:0009131, OMIM 223900. Disease mechanism: loss of function.

Allele frequency attached by ClinVar (database versions not stated): ExAC 0.00001; gnomAD exomes 0.00001; gnomAD 0.00002; TOPMed 0.00002; ESP Exome Variant Server 0.00008.
gnomAD v4.1: 15 of 1,613,802 alleles (0.00093%); highest among the groups gnomAD compares: Admixed American, 0.0033%; no homozygotes.

Submissions (4):

GeneDx
Classification: Uncertain significance. Last evaluated: 2024-11-10. Review status: criteria provided, single submitter. Criteria: GeneDx Variant Classification Process June 2021. Collection method: clinical testing. Allele origin: germline. Affected: yes.
Comment: Not observed at significant frequency in large population cohorts (gnomAD); In silico analysis indicates that this missense variant does not alter protein structure/function; Has not been previously published as pathogenic or benign to our knowledge

Labcorp Genetics (formerly Invitae), Labcorp
Classification: Uncertain significance. Last evaluated: 2022-03-03. Review status: criteria provided, single submitter. Criteria: Invitae Variant Classification Sherloc (09022015). Collection method: clinical testing. Allele origin: germline.
Comment: This sequence change replaces isoleucine, which is neutral and non-polar, with valine, which is neutral and non-polar, at codon 590 of the ELP1 protein (p.Ile590Val). This variant is present in population databases (rs369856286, gnomAD 0.003%). This variant has not been reported in the literature in individuals affected with ELP1-related conditions. ClinVar contains an entry for this variant (Variation ID: 575964). Algorithms developed to predict the effect of missense changes on protein structure and function output the following: SIFT: "Tolerated"; PolyPhen-2: "Benign"; Align-GVGD: "Class C0". The valine amino acid residue is found in multiple mammalian species, which suggests that this missense change does not adversely affect protein function. In summary, the available evidence is currently insufficient to determine the role of this variant in disease. Therefore, it has been classified as a Variant of Uncertain Significance.

Ambry Genetics
Classification: Likely benign. Last evaluated: 2021-08-23. Review status: criteria provided, single submitter. Criteria: Ambry Variant Classification Scheme 2023. Collection method: clinical testing. Allele origin: germline.

Natera, Inc.
Classification: Uncertain significance for Familial dysautonomia. Last evaluated: 2020-09-12. Review status: no assertion criteria provided. Collection method: clinical testing. Allele origin: germline. Not counted in ClinVar's aggregate classification.

NM_003640.5(ELP1):c.1768A>G (p.Ile590Val)

Gene: ELP1 (elongator acetyltransferase complex subunit 1; minus strand). Cytogenetic location: 9q31.3.
Variant type: single nucleotide variant.
Coding change: c.1768A>G on transcript NM_003640.5 (MANE Select); coding-DNA position 1768, A replaced by G.
Protein change: p.Ile590Val; replaces isoleucine 590 with valine.
Molecular consequence: missense variant.
Genome position (GRCh38, 1-based): chr9:108,902,925, T>C on the plus strand (A>G on the coding strand, the complement: ELP1 is on the minus strand). VCF-style: chr9-108902925-T-C. GRCh37 (hg19) VCF-style: chr9-111665205-T-C.
Other names: c.1768A>G (LRG_251t1); c.1426A>G, p.Ile476Val (NM_001318360.2); c.721A>G, p.Ile241Val (NM_001330749.2); short protein forms I590V, I241V, I476V.
Identifiers: ClinVar variation 575964 (VCV000575964.9), dbSNP rs369856286, ClinGen allele CA5174904.
Genomic context (GRCh38, chr9:108,902,925, plus strand): 5'-TCTGGGTGCATGGATAAGGAAACCGAACAGGAAATCCACCAGAGTTCTTCCATGGTTTAA[T>C]AGCCAGAGAAGGTGACTCTGCAAGATTCACAGATCTAGTTCACAAATAGCTGATGCGCTC-3'
Protein context (NP_003631.2, residues 580-600): KYLWESPSLA[Ile590Val]KPWKNSGGFP